The following is an entry in ClinVar:

NM_000368.5(TSC1):c.2758G>A (p.Asp920Asn)

Gene: TSC1 (TSC complex subunit 1; minus strand). Cytogenetic location: 9q34.13.
Variant type: single nucleotide variant.
Coding change: c.2758G>A on transcript NM_000368.5 (MANE Select); coding-DNA position 2758, G replaced by A.
Protein change: p.Asp920Asn; replaces aspartic acid 920 with asparagine.
Molecular consequence: missense variant. On other transcripts: non-coding transcript variant (5).
Genome position (GRCh38, 1-based): chr9:132,897,478, C>T on the plus strand (G>A on the coding strand, the complement: TSC1 is on the minus strand). VCF-style: chr9-132897478-C-T. GRCh37 (hg19) VCF-style: chr9-135772865-C-T.
Other names: c.1705G>A, p.Asp569Asn (NM_001406630.1, NM_001406629.1); c.2755G>A, p.Asp919Asn (NM_001162426.2, NM_001406597.1, NM_001406598.1 and 2 more transcripts); c.2605G>A, p.Asp869Asn (NM_001162427.2, NM_001406610.1); c.2395G>A, p.Asp799Asn (NM_001362177.2, NM_001406614.1, NM_001406615.1 and 4 more transcripts); c.2758G>A, p.Asp920Asn (NM_001406592.1, NM_001406593.1, NM_001406594.1 and 2 more transcripts); c.2743G>A, p.Asp915Asn (NM_001406601.1, NM_001406602.1); c.2740G>A, p.Asp914Asn (NM_001406603.1, NM_001406604.1); c.2716G>A, p.Asp906Asn (NM_001406605.1, NM_001406606.1, NM_001406607.1); and 8 more; short protein forms D785N, D799N, D919N, D603N, D868N, D869N, D569N, D854N.
Identifiers: ClinVar variation 3811261 (VCV003811261.1).
Genomic context (GRCh38, chr9:132,897,478, plus strand): 5'-GTTACCTTGCCTGGAGTTTGACATCCTCTAGATATTTCTTCTGTTCCAAAAGAAGGTGGT[C>T]TTTCTTGGCCAGGTGAGATTCCAGTTCCAAAATCCGTTTTTGGGAGGTATCAAGCCTCTG-3'
Protein context (NP_000359.1, residues 910-930): LELESHLAKK[Asp920Asn]HLLLEQKKYL

ClinVar aggregate classification (germline): Uncertain significance (1 of 4 stars; one submission).

Conditions:
Hereditary cancer-predisposing syndrome. Also called: Neoplastic Syndromes, Hereditary; Hereditary Cancer Syndrome; Tumor predisposition; Hereditary neoplastic syndrome. Identifiers: Orphanet 140162, MedGen C0027672, MeSH D009386, MONDO:0015356.

Submission:

Ambry Genetics
Classification: Uncertain significance for Hereditary cancer-predisposing syndrome. Last evaluated: 2025-02-27. Review status: criteria provided, single submitter. Criteria: Ambry Variant Classification Scheme 2023. Collection method: clinical testing. Allele origin: germline.
Comment: The p.D920N variant (also known as c.2758G>A), located in coding exon 19 of the TSC1 gene, results from a G to A substitution at nucleotide position 2758. The aspartic acid at codon 920 is replaced by asparagine, an amino acid with highly similar properties. This amino acid position is conserved. In addition, this alteration is predicted to be tolerated by in silico analysis. Based on the available evidence, the clinical significance of this variant remains unclear.